The following is an entry in ClinVar:

NM_000059.4(BRCA2):c.7987del (p.Glu2663fs)

Gene: BRCA2 (BRCA2 DNA repair associated; plus strand). Cytogenetic location: 13q13.1.
Variant type: Deletion.
Coding change: c.7987del on transcript NM_000059.4 (MANE Select); coding-DNA position 7987, one base deleted (G; older notation c.7987delG).
Protein change: p.Glu2663fs; shifts the reading frame from glutamic acid 2663.
Molecular consequence: frameshift variant.
Genome position (GRCh38, 1-based): chr13:32,363,189, G deleted; the last of 2 consecutive G bases (chr13:32,363,188-32,363,189); deleting either gives the same sequence. VCF-style (leftmost placement, unchanged base first): chr13-32363187-CG-C. GRCh37 (hg19) VCF-style: chr13-32937324-CG-C.
Other names: 8215delG- ter2672; c.7987delG (NM_000059.3).
Identifiers: ClinVar variation 267047 (VCV000267047.17), dbSNP rs886040738, ClinGen allele CA10589462.

ClinVar aggregate classification (germline): Pathogenic. Review status: reviewed by expert panel (3 of 4 stars). 4 submissions from 4 submitters: Pathogenic (1). 3 of the submissions do not count toward it. Last evaluated 2016-10-18.

Conditions:
Hereditary cancer-predisposing syndrome. Also called: Hereditary neoplastic syndrome; Neoplastic Syndromes, Hereditary; Tumor predisposition; Hereditary Cancer Syndrome. Identifiers: Orphanet 140162, MedGen C0027672, MeSH D009386, MONDO:0015356.
Breast-ovarian cancer, familial, susceptibility to, 2 (BROVCA2). Also called: BRCA2 Hereditary Breast and Ovarian Cancer. Identifiers: Orphanet 145, MedGen C2675520, MONDO:0012933, OMIM 612555. Disease mechanism: loss of function.
Hereditary breast ovarian cancer syndrome. Also called: BRCA1- and BRCA2-Associated Hereditary Breast and Ovarian Cancer; Hereditary breast and ovarian cancer; Breast and ovarian cancer; Hereditary breast and/or ovarian cancer syndrome; Hereditary breast and ovarian cancer syndrome; Hereditary breast and ovarian cancer syndrome (HBOC). Identifiers: Orphanet 145, MedGen C0677776, MeSH D061325, MONDO:0003582. Disease mechanism: loss of function.

Submissions (4):

Evidence-based Network for the Interpretation of Germline Mutant Alleles (ENIGMA)
Classification: Pathogenic for Breast-ovarian cancer, familial, susceptibility to, 2. Last evaluated: 2016-10-18. Review status: reviewed by expert panel. Criteria: ENIGMA BRCA1/2 Classification Criteria (2015). Collection method: curation. Allele origin: germline.
Comment: Variant allele predicted to encode a truncated non-functional protein.

Labcorp Genetics (formerly Invitae), Labcorp
Classification: Pathogenic for Hereditary breast ovarian cancer syndrome. Last evaluated: 2025-05-28. Review status: criteria provided, single submitter. Criteria: Invitae Variant Classification Sherloc (09022015). Collection method: clinical testing. Allele origin: germline. Not counted in ClinVar's aggregate classification.
Comment: This sequence change creates a premature translational stop signal (p.Glu2663Lysfs*10) in the BRCA2 gene. It is expected to result in an absent or disrupted protein product. Loss-of-function variants in BRCA2 are known to be pathogenic (PMID: 20104584). This variant is not present in population databases (gnomAD no frequency). This premature translational stop signal has been observed in individual(s) with HBOC (PMID: 27425403, 29907814). This variant is also known as c.7986delG p.Glu2665Lysfs. ClinVar contains an entry for this variant (Variation ID: 267047). For these reasons, this variant has been classified as Pathogenic.

Color Diagnostics, LLC DBA Color Health
Classification: Pathogenic for Hereditary cancer-predisposing syndrome. Last evaluated: 2022-01-27. Review status: criteria provided, single submitter. Criteria: ACMG Guidelines, 2015. Collection method: clinical testing. Allele origin: germline. Not counted in ClinVar's aggregate classification.
Comment: This variant deletes 1 nucleotide in exon 18 of the BRCA2 gene, creating a frameshift and premature translation stop signal. This variant is expected to result in an absent or non-functional protein product. To our knowledge, functional studies have not been reported for this variant. This variant has also been referred to as c.7986delG, p.Glu2665Lysfs in the literature (PMID: 27425403). This variant has not been identified in the general population by the Genome Aggregation Database (gnomAD). Loss of BRCA2 function is a known mechanism of disease. Based on the available evidence, this variant is classified as Pathogenic.

Consortium of Investigators of Modifiers of BRCA1/2 (CIMBA), c/o University of Cambridge
Classification: Pathogenic for Breast-ovarian cancer, familial, susceptibility to, 2. Last evaluated: 2015-10-02. Review status: criteria provided, single submitter. Criteria: CIMBA Mutation Classification guidelines May 2016. Collection method: clinical testing. Allele origin: germline. Not counted in ClinVar's aggregate classification.

Literature cited by the submitters: PubMed 20104584 (cited by Labcorp Genetics (formerly Invitae), Labcorp); PubMed 27425403 (cited by Labcorp Genetics (formerly Invitae), Labcorp and Color Diagnostics, LLC DBA Color Health); PubMed 29907814 (cited by Labcorp Genetics (formerly Invitae), Labcorp and Color Diagnostics, LLC DBA Color Health).